The following is an entry in ClinVar:

ClinVar aggregate classification (germline): Conflicting classifications of pathogenicity. Review status: criteria provided, conflicting classifications (1 of 4 stars). 3 submissions from 3 submitters: Uncertain significance (2); Benign (1). Last evaluated 2025-08-25.

Allele frequency attached by ClinVar (database versions not stated): gnomAD exomes 0.00025 and 0.00010; ExAC 0.00028; gnomAD 0.00009 and 0.00013; 1000 Genomes Project 30x 0.00031; 1000 Genomes Project 0.00020; TOPMed 0.00019.
gnomAD v4.1: 159 of 1,587,510 alleles (0.01%); highest among the groups gnomAD compares: East Asian, 0.29%; no homozygotes.

Submissions (3):

Women's Health and Genetics/Laboratory Corporation of America, LabCorp
Classification: Uncertain significance. Last evaluated: 2025-08-25. Review status: criteria provided, single submitter. Criteria: LabCorp Variant Classification Summary - May 2015. Collection method: clinical testing. Allele origin: germline.
Comment: Variant summary: GBA1 c.605G>A (p.Arg202Gln) results in a conservative amino acid change located in the Glycosyl hydrolase family 30, TIM-barrel domain (IPR033453) of the encoded protein sequence. Algorithms developed to predict the effect of missense changes on protein structure and function are either unavailable or do not agree on the potential impact of this missense change. The variant allele was found at a frequency of 0.00025 in 203156 control chromosomes, predominantly at a frequency of 0.003 within the East Asian subpopulation in the gnomAD database. This frequency is not significantly higher than estimated for disease-causing variants in GBA1, allowing no conclusion about variant significance. c.605G>A has been reported in the literature in cis with pathogenic variants as part of complex alleles (c.[605G>A;625C>T] and c.[605G>A;680A>G]) in at least two individuals affected with Gaucher Disease (Oguri_2020, Mozafari_2021). These reports do not provide unequivocal conclusions about association of the variant with Gaucher Disease. Furthermore, R202Q (also described in the literature as R163Q) has been reported in individuals affected with Parkinson disease (PD) (Gutti_2008, Mitsui_2009, Choi_2012, Yu_2015), Alzheimer's disease (Wen_2022), and Progressive Supranuclear Palsy (Ng_2024) but was also reported in unaffected controls (Mitsui_2009, Wen_2022). A recent meta-analysis study concluded that the variant was not associated with increased risk for PD (Zhang_2018). To our knowledge, no experimental evidence demonstrating an impact on protein function has been reported. The following publications have been ascertained in the context of this evaluation (PMID: 22387070, 18541817, 25909086, 19433656, 34282371, 39149795, 31561936, 34380910, 25518742, 29527153). ClinVar contains an entry for this variant (Variation ID: 93454). Based on the evidence outlined above, the variant was classified as uncertain significance.

Department of Neurology, Qilu Hospital of Shandong University
Classification: Uncertain significance. Last evaluated: 2020-06-01. Review status: criteria provided, single submitter. Criteria: ACMG2015. Collection method: clinical testing. Allele origin: germline. Affected: yes. Observed: 1 variant allele.

Eurofins Ntd Llc (ga)
Classification: Benign. Last evaluated: 2012-07-18. Review status: criteria provided, single submitter. Criteria: EGL Classification Definitions 2015. Collection method: clinical testing. Allele origin: germline. Observed: 1 variant allele, 1 heterozygote.

Literature cited by the submitters: PubMed 22387070 (cited by Women's Health and Genetics/Laboratory Corporation of America, LabCorp); PubMed 19433656 (cited by Women's Health and Genetics/Laboratory Corporation of America, LabCorp and Department of Neurology, Qilu Hospital of Shandong University); PubMed 18541817 (cited by Women's Health and Genetics/Laboratory Corporation of America, LabCorp and Department of Neurology, Qilu Hospital of Shandong University); PubMed 25909086 (cited by Women's Health and Genetics/Laboratory Corporation of America, LabCorp); PubMed 34282371 (cited by Women's Health and Genetics/Laboratory Corporation of America, LabCorp); PubMed 31561936 (cited by Women's Health and Genetics/Laboratory Corporation of America, LabCorp and Department of Neurology, Qilu Hospital of Shandong University); PubMed 25518742 (cited by Women's Health and Genetics/Laboratory Corporation of America, LabCorp); PubMed 29527153 (cited by Women's Health and Genetics/Laboratory Corporation of America, LabCorp); PubMed 34380910 (cited by Women's Health and Genetics/Laboratory Corporation of America, LabCorp); PubMed 39149795 (cited by Women's Health and Genetics/Laboratory Corporation of America, LabCorp); PubMed 27153395 (cited by Department of Neurology, Qilu Hospital of Shandong University); PubMed 27843123 (cited by Department of Neurology, Qilu Hospital of Shandong University); PubMed 34867278 (cited by Department of Neurology, Qilu Hospital of Shandong University); PubMed 34951095 (cited by Department of Neurology, Qilu Hospital of Shandong University); PubMed 35639160 (cited by Department of Neurology, Qilu Hospital of Shandong University).

NM_000157.4(GBA1):c.605G>A (p.Arg202Gln)

Genes: GBA1 (glucosylceramidase beta 1; minus strand), LOC106627981 (GBA recombination region; plus strand). Cytogenetic location: 1q22.
Variant type: single nucleotide variant.
Coding change: c.605G>A on transcript NM_000157.4 (MANE Select); coding-DNA position 605, G replaced by A.
Protein change: p.Arg202Gln; replaces arginine 202 with glutamine.
Molecular consequence: missense variant.
Genome position (GRCh38, 1-based): chr1:155,238,290, C>T on the plus strand (G>A on the coding strand, the complement: GBA1 is on the minus strand). VCF-style: chr1-155238290-C-T. GRCh37 (hg19) VCF-style: chr1-155208081-C-T.
Other names: c.605G>A, p.Arg202Gln (NM_001005741.3, NM_001005742.3); c.344G>A, p.Arg115Gln (NM_001171811.2); c.458G>A, p.Arg153Gln (NM_001171812.2); short protein forms R202Q, R153Q, R115Q.
Identifiers: ClinVar variation 93454 (VCV000093454.11), dbSNP rs398123531, ClinGen allele CA146984.
Genomic context (GRCh38, chr1:155,238,290, plus strand): 5'-GTGGGTGATGTCCAGGGGCTGGCAAGGAGTGAAACGGGACGCTGGGCCAACTGCAGGGCT[C>T]GGTGAATCAGGGGTATCTAGAGACAAAGGTAGTGAAGAGAGAAGCACCCAGAGTTGGAAC-3'
Protein context (NP_000148.2, residues 192-212): DTKLKIPLIH[Arg202Gln]ALQLAQRPVS